The following is an entry in ClinVar:

ClinVar aggregate classification (germline): Uncertain significance. Review status: criteria provided, multiple submitters, no conflicts (2 of 4 stars). 3 submissions from 3 submitters: Uncertain significance (3). Last evaluated 2025-08-12.

Conditions:
RYR1-related disorder. Also called: RYR1-related disorders; RYR1-related condition. Identifiers: MedGen CN239331.
Malignant hyperthermia, susceptibility to, 1 (MHS1). Also called: Anesthesia related hyperthermia; Malignant hyperpyrexia; Fulminating hyperpyrexia; Pharmacogenic myopathy; RYR1-Related Malignant Hyperthermia Susceptibility; Malignant hyperthermia suceptibility 1. Identifiers: Orphanet 423, MedGen C2930980, MONDO:0007783, OMIM 145600.
Inborn genetic diseases. Identifiers: MedGen C0950123, MeSH D030342.

Allele frequency attached by ClinVar (database versions not stated): gnomAD exomes below 0.00001; TOPMed below 0.00001; ExAC 0.00001.
gnomAD v4.1: 6 of 1,613,292 alleles (0.00037%); highest among the groups gnomAD compares: African/African-American, 0.0013%; no homozygotes.

Submissions (3):

Ambry Genetics
Classification: Uncertain significance for Inborn genetic diseases. Last evaluated: 2025-08-12. Review status: criteria provided, single submitter. Criteria: Ambry Variant Classification Scheme 2023. Collection method: clinical testing. Allele origin: germline.

All of Us Research Program, National Institutes of Health
Classification: Uncertain significance for Malignant hyperthermia, susceptibility to, 1. Last evaluated: 2024-03-24. Review status: criteria provided, single submitter. Criteria: ACMG Guidelines, 2015. Collection method: clinical testing. Allele origin: germline. Inheritance: Autosomal dominant inheritance. Observed: 1 variant allele, 1 heterozygote.
Comment: This missense variant replaces serine with leucine at codon 3489 of the RYR1 protein. Computational prediction suggests that this variant may not impact protein structure and function (internally defined REVEL score threshold <= 0.5, PMID: 27666373). To our knowledge, functional studies have not been reported for this variant. This variant has not been reported in individuals affected with RYR1-related disorders in the literature. This variant has been identified in 1/250746 chromosomes in the general population by the Genome Aggregation Database (gnomAD). The available evidence is insufficient to determine the role of this variant in disease conclusively. Therefore, this variant is classified as a Variant of Uncertain Significance.

This study involves interpretation of variants in research participants for the purpose of population health screening. Participant phenotype was not available at the time of variant classification. Additional details can be found in publication PMID: 35346344, PMCID: PMC8962531

Labcorp Genetics (formerly Invitae), Labcorp
Classification: Uncertain significance for RYR1-related disorder. Last evaluated: 2022-07-06. Review status: criteria provided, single submitter. Criteria: Invitae Variant Classification Sherloc (09022015). Collection method: clinical testing. Allele origin: germline.
Comment: This sequence change replaces serine, which is neutral and polar, with leucine, which is neutral and non-polar, at codon 3489 of the RYR1 protein (p.Ser3489Leu). This variant is present in population databases (rs764263987, gnomAD 0.003%). This variant has not been reported in the literature in individuals affected with RYR1-related conditions. ClinVar contains an entry for this variant (Variation ID: 1056178). Advanced modeling of protein sequence and biophysical properties (such as structural, functional, and spatial information, amino acid conservation, physicochemical variation, residue mobility, and thermodynamic stability) performed at Invitae indicates that this missense variant is not expected to disrupt RYR1 protein function. In summary, the available evidence is currently insufficient to determine the role of this variant in disease. Therefore, it has been classified as a Variant of Uncertain Significance.

NM_000540.3(RYR1):c.10466C>T (p.Ser3489Leu)

Gene: RYR1 (ryanodine receptor 1; plus strand). Cytogenetic location: 19q13.2.
Variant type: single nucleotide variant.
Coding change: c.10466C>T on transcript NM_000540.3 (MANE Select); coding-DNA position 10466, C replaced by T.
Protein change: p.Ser3489Leu; replaces serine 3489 with leucine.
Molecular consequence: missense variant.
Genome position (GRCh38, 1-based): chr19:38,525,342, C>T. VCF-style: chr19-38525342-C-T. GRCh37 (hg19) VCF-style: chr19-39015982-C-T.
Other names: c.10466C>T (NM_000540.2); c.10451C>T, p.Ser3484Leu (NM_001042723.2); short protein forms S3484L, S3489L.
Identifiers: ClinVar variation 1056178 (VCV001056178.8), dbSNP rs764263987, ClinGen allele CA053784.
Genomic context (GRCh38, chr19:38,525,342, plus strand): 5'-GAGGCATGGGATTGGGGCTTGGGCTGGTGCTGAGCCCTGTGTCCCCACAGTCCGGTGGCT[C>T]GGACCAGGAACGCACCAAGAAGAAGCGCCGGGGGGACCGGTACTCTGTGCAGACGTCACT-3'
Protein context (NP_000531.2, residues 3479-3499): AKAGDIQSGG[Ser3489Leu]DQERTKKKRR